The following is an entry in ClinVar:

NM_005215.4(DCC):c.2913G>C (p.Leu971Phe)

Gene: DCC (DCC netrin 1 receptor; plus strand). Cytogenetic location: 18q21.2.
Variant type: single nucleotide variant.
Coding change: c.2913G>C on transcript NM_005215.4 (MANE Select); coding-DNA position 2913, G replaced by C.
Protein change: p.Leu971Phe; replaces leucine 971 with phenylalanine.
Molecular consequence: missense variant.
Genome position (GRCh38, 1-based): chr18:53,402,871, G>C. VCF-style: chr18-53402871-G-C. GRCh37 (hg19) VCF-style: chr18-50929241-G-C.
Other names: short protein forms L971F.
Identifiers: ClinVar variation 1698153 (VCV001698153.2), dbSNP rs2145037430, ClinGen allele CA402472776.

ClinVar aggregate classification (germline): Uncertain significance (1 of 4 stars; one submission).

Submission:

GeneDx
Classification: Uncertain significance. Last evaluated: 2022-01-21. Review status: criteria provided, single submitter. Criteria: GeneDx Variant Classification Process June 2021. Collection method: clinical testing. Allele origin: germline. Affected: yes.
Comment: Not observed at significant frequency in large population cohorts (gnomAD); In silico analysis supports that this missense variant does not alter protein structure/function; Has not been previously published as pathogenic or benign to our knowledge